The following is an entry in ClinVar:

ClinVar aggregate classification (germline): Uncertain significance (1 of 4 stars; one submission).

gnomAD v4.1: 62 of 1,550,746 alleles (0.004%); highest among the groups gnomAD compares: Non-Finnish European, 0.0044%; no homozygotes.

Submission:

Labcorp Genetics (formerly Invitae), Labcorp
Classification: Uncertain significance. Last evaluated: 2022-02-27. Review status: criteria provided, single submitter. Criteria: Invitae Variant Classification Sherloc (09022015). Collection method: clinical testing. Allele origin: germline.
Comment: In summary, the available evidence is currently insufficient to determine the role of this variant in disease. Therefore, it has been classified as a Variant of Uncertain Significance. Algorithms developed to predict the effect of missense changes on protein structure and function are either unavailable or do not agree on the potential impact of this missense change (SIFT: "Deleterious"; PolyPhen-2: "Probably Damaging"; Align-GVGD: "Class C0"). This variant has not been reported in the literature in individuals affected with OTOG-related conditions. This variant is present in population databases (no rsID available, gnomAD 0.006%). This sequence change replaces valine, which is neutral and non-polar, with methionine, which is neutral and non-polar, at codon 625 of the OTOG protein (p.Val625Met).

NM_001292063.2(OTOG):c.1837G>A (p.Val613Met)

Gene: OTOG (otogelin; plus strand). Cytogenetic location: 11p15.1.
Variant type: single nucleotide variant.
Coding change: c.1837G>A on transcript NM_001292063.2 (MANE Select); coding-DNA position 1837, G replaced by A.
Protein change: p.Val613Met; replaces valine 613 with methionine.
Molecular consequence: missense variant.
Genome position (GRCh38, 1-based): chr11:17,570,272, G>A. VCF-style: chr11-17570272-G-A. GRCh37 (hg19) VCF-style: chr11-17591819-G-A.
Other names: c.1873G>A, p.Val625Met (NM_001277269.2); short protein forms V613M, V625M.
Identifiers: ClinVar variation 1984492 (VCV001984492.4), dbSNP rs555426307, ClinGen allele CA218504292.